The following is an entry in ClinVar:

NM_002234.4(KCNA5):c.824T>C (p.Phe275Ser)

Gene: KCNA5 (potassium voltage-gated channel subfamily A member 5; plus strand). Cytogenetic location: 12p13.32.
Variant type: single nucleotide variant.
Coding change: c.824T>C on transcript NM_002234.4 (MANE Select); coding-DNA position 824, T replaced by C.
Protein change: p.Phe275Ser; replaces phenylalanine 275 with serine.
Molecular consequence: missense variant.
Genome position (GRCh38, 1-based): chr12:5,044,971, T>C. VCF-style: chr12-5044971-T-C. GRCh37 (hg19) VCF-style: chr12-5154137-T-C.
Other names: short protein forms F275S.
Identifiers: ClinVar variation 953579 (VCV000953579.8), dbSNP rs1183786437, ClinGen allele CA383465234.

ClinVar aggregate classification (germline): Uncertain significance. Review status: criteria provided, multiple submitters, no conflicts (2 of 4 stars). 2 submissions from 2 submitters: Uncertain significance (2). Last evaluated 2022-01-21.

Conditions:
Atrial fibrillation, familial, 7 (ATFB7). Identifiers: MedGen C2677106, MONDO:0012828, OMIM 612240.

Allele frequency attached by ClinVar (database versions not stated): TOPMed below 0.00001; gnomAD exomes 0.00001.

Submissions (2):

Labcorp Genetics (formerly Invitae), Labcorp
Classification: Uncertain significance for Atrial fibrillation, familial, 7. Last evaluated: 2022-01-21. Review status: criteria provided, single submitter. Criteria: Invitae Variant Classification Sherloc (09022015). Collection method: clinical testing. Allele origin: germline.
Comment: In summary, the available evidence is currently insufficient to determine the role of this variant in disease. Therefore, it has been classified as a Variant of Uncertain Significance. Algorithms developed to predict the effect of missense changes on protein structure and function (SIFT, PolyPhen-2, Align-GVGD) all suggest that this variant is likely to be disruptive. ClinVar contains an entry for this variant (Variation ID: 953579). This variant has not been reported in the literature in individuals affected with KCNA5-related conditions. This variant is present in population databases (no rsID available, gnomAD 0.01%). This sequence change replaces phenylalanine, which is neutral and non-polar, with serine, which is neutral and polar, at codon 275 of the KCNA5 protein (p.Phe275Ser).

Blueprint Genetics
Classification: Uncertain significance. Last evaluated: 2018-11-21. Review status: criteria provided, single submitter. Criteria: ACMG Guidelines, 2015. Collection method: clinical testing. Allele origin: germline.